The following is an entry in ClinVar:

NM_173543.3(DZIP1L):c.288C>A (p.Tyr96Ter)

Gene: DZIP1L (DAZ interacting zinc finger protein 1 like; minus strand). Cytogenetic location: 3q22.3.
Variant type: single nucleotide variant.
Coding change: c.288C>A on transcript NM_173543.3 (MANE Select); coding-DNA position 288, C replaced by A.
Protein change: p.Tyr96Ter; replaces tyrosine 96 with a stop codon.
Molecular consequence: nonsense.
Genome position (GRCh38, 1-based): chr3:138,103,684, G>T on the plus strand (C>A on the coding strand, the complement: DZIP1L is on the minus strand). VCF-style: chr3-138103684-G-T. GRCh37 (hg19) VCF-style: chr3-137822526-G-T.
Other names: c.288C>A, p.Tyr96Ter (NM_001170538.1); short protein forms Y96*.
Identifiers: ClinVar variation 1484966 (VCV001484966.4), dbSNP rs749937461, ClinGen allele CA2635320.

ClinVar aggregate classification (germline): Pathogenic (1 of 4 stars; one submission).

Allele frequency attached by ClinVar (database versions not stated): gnomAD exomes below 0.00001 and 0.00001; TOPMed 0.00001; ExAC 0.00002.

Submission:

Labcorp Genetics (formerly Invitae), Labcorp
Classification: Pathogenic. Last evaluated: 2025-04-07. Review status: criteria provided, single submitter. Criteria: Invitae Variant Classification Sherloc (09022015). Collection method: clinical testing. Allele origin: germline.
Comment: This sequence change creates a premature translational stop signal (p.Tyr96*) in the DZIP1L gene. It is expected to result in an absent or disrupted protein product. Loss-of-function variants in DZIP1L are known to be pathogenic (PMID: 28530676). This variant is present in population databases (rs749937461, gnomAD 0.006%). This variant has not been reported in the literature in individuals affected with DZIP1L-related conditions. ClinVar contains an entry for this variant (Variation ID: 1484966). For these reasons, this variant has been classified as Pathogenic.

Literature cited by the submitters: PubMed 28530676.